The following is an entry in ClinVar:

NM_001042492.3(NF1):c.6820-29_6820-5del

Gene: NF1 (neurofibromin 1; plus strand). Cytogenetic location: 17q11.2.
Variant type: Deletion.
Coding change: c.6820-29_6820-5del on transcript NM_001042492.3 (MANE Select); 29 bases into the intron before coding-DNA position 6820 through 5 bases into the intron before coding-DNA position 6820, 25 bases deleted (TAAAATAAAAAATTCTGTTTTCCTA).
Molecular consequence: intron variant.
Genome position (GRCh38, 1-based): chr17:31,338,675-31,338,699, TAAAATAAAAAATTCTGTTTTCCTA deleted. VCF-style (leftmost placement, unchanged base first): chr17-31338674-GTAAAATAAAAAATTCTGTTTTCCTA-G. GRCh37 (hg19) VCF-style: chr17-29665692-GTAAAATAAAAAATTCTGTTTTCCTA-G.
Other names: c.6757-29_6757-5del (NM_000267.4).
Identifiers: ClinVar variation 2052315 (VCV002052315.4), dbSNP rs2508762079, ClinGen allele CA2580093152.

ClinVar aggregate classification (germline): Uncertain significance (1 of 4 stars; one submission).

Conditions:
Neurofibromatosis, type 1 (NF1). Also called: NEUROFIBROMATOSIS, TYPE I, SOMATIC; VON RECKLINGHAUSEN DISEASE; Peripheral type neurofibromatosis; Neurofibromatosis, type I. Identifiers: Orphanet 636, MedGen C0027831, MONDO:0018975, OMIM 162200. Disease mechanism: loss of function.

Submission:

Labcorp Genetics (formerly Invitae), Labcorp
Classification: Uncertain significance for Neurofibromatosis, type 1. Last evaluated: 2022-03-18. Review status: criteria provided, single submitter. Criteria: Invitae Variant Classification Sherloc (09022015). Collection method: clinical testing. Allele origin: germline.
Comment: In summary, the available evidence is currently insufficient to determine the role of this variant in disease. Therefore, it has been classified as a Variant of Uncertain Significance. Algorithms developed to predict the effect of sequence changes on RNA splicing suggest that this variant may disrupt the consensus splice site. This variant has not been reported in the literature in individuals affected with NF1-related conditions. This variant is not present in population databases (gnomAD no frequency). This sequence change falls in intron 44 of the NF1 gene. It does not directly change the encoded amino acid sequence of the NF1 protein.